The following is an entry in ClinVar:

ClinVar aggregate classification (germline): Uncertain significance (1 of 4 stars; one submission).

Submission:

Women's Health and Genetics/Laboratory Corporation of America, LabCorp
Classification: Uncertain significance. Last evaluated: 2025-12-03. Review status: criteria provided, single submitter. Criteria: LabCorp Variant Classification Summary - May 2015. Collection method: clinical testing. Allele origin: germline.
Comment: Variant summary: The variant involves the duplication of exons 6-31 in the NEDD4L gene. A presumed nomenclature of c.(297+1_298-1)_(*5271_?)dup has been designated for the purposes of this classification. The exact breakpoint at the 3' end of this variant is unknown, therefore this duplication may extend downstream of the annotated region of the gene. As it duplicates the termination codon, its effect on the encoded protein is unknown. The variant was absent in 120780 control chromosomes in the gnomAD database (Structural Variants v4.1 dataset). The available data on variant occurrences in the general population are insufficient to allow any conclusion about variant significance. To our knowledge, no occurrence of c.(297+1_298-1)_(*5271_?)dup in individuals affected with NEDD4L-related conditions and no experimental evidence demonstrating its impact on protein function have been reported. No submitters have cited clinical-significance assessments for this variant to ClinVar. Based on the evidence outlined above, the variant was classified as uncertain significance.

NC_000018.9:g.(55919287_55983213)_(56068772_?)dup

Gene: NEDD4L (NEDD4 like E3 ubiquitin protein ligase; plus strand). Cytogenetic location: 18q21.31.
Variant type: Duplication.
Identifiers: ClinVar variation 4688618 (VCV004688618.1).